The following is an entry in ClinVar:

ClinVar aggregate classification (germline): Uncertain significance. Review status: criteria provided, multiple submitters, no conflicts (2 of 4 stars). 3 submissions from 3 submitters: Uncertain significance (3). Last evaluated 2023-07-19.

Conditions:
Inborn genetic diseases. Identifiers: MedGen C0950123, MeSH D030342.
Focal segmental glomerulosclerosis 6 (FSGS6). Identifiers: Orphanet 656, MedGen C3279905, MONDO:0013589, OMIM 614131.

Allele frequency attached by ClinVar (database versions not stated): gnomAD exomes below 0.00001; gnomAD 0.00001 and 0.00002; TOPMed 0.00001.
gnomAD v4.1: 9 of 1,614,014 alleles (0.00056%); highest among the groups gnomAD compares: East Asian, 0.011%; no homozygotes.

Submissions (3):

Ambry Genetics
Classification: Uncertain significance for Inborn genetic diseases. Last evaluated: 2023-07-19. Review status: criteria provided, single submitter. Criteria: Ambry Variant Classification Scheme 2023. Collection method: clinical testing. Allele origin: germline.

Baylor Genetics
Classification: Uncertain significance for Focal segmental glomerulosclerosis 6. Last evaluated: 2023-02-01. Review status: criteria provided, single submitter. Criteria: ACMG Guidelines, 2015. Collection method: clinical testing. Allele origin: unknown.

Labcorp Genetics (formerly Invitae), Labcorp
Classification: Uncertain significance. Last evaluated: 2021-08-02. Review status: criteria provided, single submitter. Criteria: Invitae Variant Classification Sherloc (09022015). Collection method: clinical testing. Allele origin: germline.
Comment: This sequence change replaces glutamic acid with aspartic acid at codon 548 of the MYO1E protein (p.Glu548Asp). The glutamic acid residue is highly conserved and there is a small physicochemical difference between glutamic acid and aspartic acid. This variant is not present in population databases (ExAC no frequency). This variant has not been reported in the literature in individuals affected with MYO1E-related conditions. Algorithms developed to predict the effect of missense changes on protein structure and function (SIFT, PolyPhen-2, Align-GVGD) all suggest that this variant is likely to be disruptive. In summary, the available evidence is currently insufficient to determine the role of this variant in disease. Therefore, it has been classified as a Variant of Uncertain Significance.

NM_004998.4(MYO1E):c.1644A>C (p.Glu548Asp)

Gene: MYO1E (myosin IE; minus strand). Cytogenetic location: 15q22.2.
Variant type: single nucleotide variant.
Coding change: c.1644A>C on transcript NM_004998.4 (MANE Select); coding-DNA position 1644, A replaced by C.
Protein change: p.Glu548Asp; replaces glutamic acid 548 with aspartic acid.
Molecular consequence: missense variant.
Genome position (GRCh38, 1-based): chr15:59,202,380, T>G on the plus strand (A>C on the coding strand, the complement: MYO1E is on the minus strand). VCF-style: chr15-59202380-T-G. GRCh37 (hg19) VCF-style: chr15-59494579-T-G.
Other names: c.1644A>C (NM_004998.2); short protein forms E548D.
Identifiers: ClinVar variation 1509550 (VCV001509550.8), dbSNP rs1020273476, ClinGen allele CA271808887.